The following is an entry in ClinVar:

ClinVar aggregate classification (germline): Uncertain significance (1 of 4 stars; one submission).

Submission:

GeneDx
Classification: Uncertain significance. Last evaluated: 2026-05-18. Review status: criteria provided, single submitter. Criteria: GeneDx Variant Classification Process June 2021. Collection method: clinical testing. Allele origin: germline.
Comment: Not observed at significant frequency in large population cohorts (gnomAD); Canonical splice site variant in a gene or region of a gene for which loss of function is not a well-established mechanism of disease; Has not been previously published as pathogenic or benign to our knowledge

NM_001829.4(CLCN3):c.2367-2039G>T

Gene: CLCN3 (Cl-/H+ antiporter 3; plus strand). Cytogenetic location: 4q33.
Variant type: single nucleotide variant.
Coding change: c.2367-2039G>T on transcript NM_001829.4 (MANE Select); 2039 bases into the intron before coding-DNA position 2367, G replaced by T.
Molecular consequence: intron variant. On other transcripts: splice donor variant (1).
Genome position (GRCh38, 1-based): chr4:169,717,868, G>T. VCF-style: chr4-169717868-G-T. GRCh37 (hg19) VCF-style: chr4-170639019-G-T.
Other names: c.2442+1G>T (NM_173872.4); c.2286-2039G>T (NM_001243372.2, NM_001243374.2).
Identifiers: ClinVar variation 3764238 (VCV003764238.2).